The following is an entry in ClinVar:

NM_001004334.4(GPR179):c.5058C>T (p.Ala1686=)

Gene: GPR179 (G protein-coupled receptor 179; minus strand). Cytogenetic location: 17q12.
Variant type: single nucleotide variant.
Coding change: c.5058C>T on transcript NM_001004334.4 (MANE Select); coding-DNA position 5058, C replaced by T.
Protein change: p.Ala1686=; no amino-acid change (alanine 1686 retained).
Molecular consequence: synonymous variant.
Genome position (GRCh38, 1-based): chr17:38,328,511, G>A on the plus strand (C>T on the coding strand, the complement: GPR179 is on the minus strand). VCF-style: chr17-38328511-G-A. GRCh37 (hg19) VCF-style: chr17-36484394-G-A.
Other names: c.5058C>T (NM_001004334.3).
Identifiers: ClinVar variation 497491 (VCV000497491.18), dbSNP rs376750375, ClinGen allele CA290103778.

ClinVar aggregate classification (germline): Conflicting classifications of pathogenicity. Review status: criteria provided, conflicting classifications (1 of 4 stars). 5 submissions from 5 submitters: Uncertain significance (2); Likely benign (3). Last evaluated 2025-11-24.

Conditions:
GPR179-related disorder. Also called: GPR179-related condition.
Congenital stationary night blindness 1E. Also called: Night blindness, congenital stationary (complete), 1E, autosomal recessive. Identifiers: Orphanet 215, MedGen C3281215, MONDO:0013807, OMIM 614565.

Allele frequency attached by ClinVar (database versions not stated): ExAC 0.00014; gnomAD 0.00014; gnomAD exomes 0.00014 and 0.00028; TOPMed 0.00017; ESP Exome Variant Server 0.00033.
gnomAD v4.1: 451 of 1,611,838 alleles (0.028%); highest among the groups gnomAD compares: Non-Finnish European, 0.034%; no homozygotes.

Submissions (5):

Labcorp Genetics (formerly Invitae), Labcorp
Classification: Likely benign. Last evaluated: 2025-11-24. Review status: criteria provided, single submitter. Criteria: Invitae Variant Classification Sherloc (09022015). Collection method: clinical testing. Allele origin: germline.

PreventionGenetics, part of Exact Sciences
Classification: Likely benign for GPR179-related condition. Last evaluated: 2025-08-16. Review status: criteria provided, single submitter. Criteria: ACMG Guidelines, 2015. Collection method: clinical testing. Allele origin: germline.
Comment: This variant is classified as likely benign based on ACMG/AMP sequence variant interpretation guidelines (Richards et al. 2015 PMID: 25741868, with internal and published modifications).

Blueprint Genetics
Classification: Likely benign. Last evaluated: 2024-11-15. Review status: criteria provided, single submitter. Criteria: ACMG Guidelines, 2015. Collection method: clinical testing. Allele origin: germline.

Illumina Laboratory Services, Illumina
Classification: Uncertain significance for Congenital stationary night blindness 1E. Last evaluated: 2018-01-12. Review status: criteria provided, single submitter. Criteria: ICSL Variant Classification Criteria 13 December 2019. Collection method: clinical testing. Allele origin: germline.

Eurofins Ntd Llc (ga)
Classification: Uncertain significance. Last evaluated: 2016-09-30. Review status: criteria provided, single submitter. Criteria: EGL Classification Definitions 2015. Collection method: clinical testing. Allele origin: germline. Observed: 1 variant allele, 1 heterozygote.